The following is an entry in ClinVar:

NM_000252.3(MTM1):c.913G>C (p.Glu305Gln)

Gene: MTM1 (myotubularin 1; plus strand). Cytogenetic location: Xq28.
Variant type: single nucleotide variant.
Coding change: c.913G>C on transcript NM_000252.3 (MANE Select); coding-DNA position 913, G replaced by C.
Protein change: p.Glu305Gln; replaces glutamic acid 305 with glutamine.
Molecular consequence: missense variant.
Genome position (GRCh38, 1-based): chrX:150,649,761, G>C. VCF-style: chrX-150649761-G-C. GRCh37 (hg19) VCF-style: chrX-149818234-G-C.
Other names: c.913G>C, p.Glu305Gln (NM_001376908.1, NM_001376906.1); c.802G>C, p.Glu268Gln (NM_001376907.1); short protein forms E268Q, E305Q.
Identifiers: ClinVar variation 1498542 (VCV001498542.5), dbSNP rs587783861, ClinGen allele CA10539187.

ClinVar aggregate classification (germline): Uncertain significance (1 of 4 stars; one submission).

Conditions:
Severe X-linked myotubular myopathy (CNMX). Also called: MYOTUBULAR MYOPATHY 1; Myotubular myopathy, X-linked; X-linked centronuclear myopathy. Identifiers: Orphanet 596, MedGen C0410203, MONDO:0010683, OMIM 310400.

Allele frequency attached by ClinVar (database versions not stated): ExAC 0.00001.

Submission:

Labcorp Genetics (formerly Invitae), Labcorp
Classification: Uncertain significance for Severe X-linked myotubular myopathy. Last evaluated: 2022-09-15. Review status: criteria provided, single submitter. Criteria: Invitae Variant Classification Sherloc (09022015). Collection method: clinical testing. Allele origin: germline.
Comment: This sequence change replaces glutamic acid, which is acidic and polar, with glutamine, which is neutral and polar, at codon 305 of the MTM1 protein (p.Glu305Gln). This variant is present in population databases (rs587783861, gnomAD 0.004%), including at least one homozygous and/or hemizygous individual. This variant has not been reported in the literature in individuals affected with MTM1-related conditions. ClinVar contains an entry for this variant (Variation ID: 1498542). Advanced modeling of protein sequence and biophysical properties (such as structural, functional, and spatial information, amino acid conservation, physicochemical variation, residue mobility, and thermodynamic stability) has been performed at Invitae for this missense variant, however the output from this modeling did not meet the statistical confidence thresholds required to predict the impact of this variant on MTM1 protein function. In summary, the available evidence is currently insufficient to determine the role of this variant in disease. Therefore, it has been classified as a Variant of Uncertain Significance.